The following is an entry in ClinVar:

NM_004415.4(DSP):c.8319C>G (p.Ile2773Met)

Gene: DSP (desmoplakin; plus strand). Cytogenetic location: 6p24.3.
Variant type: single nucleotide variant.
Coding change: c.8319C>G on transcript NM_004415.4 (MANE Select); coding-DNA position 8319, C replaced by G.
Protein change: p.Ile2773Met; replaces isoleucine 2773 with methionine.
Molecular consequence: missense variant.
Genome position (GRCh38, 1-based): chr6:7,585,581, C>G. VCF-style: chr6-7585581-C-G. GRCh37 (hg19) VCF-style: chr6-7585814-C-G.
Other names: c.6522C>G, p.Ile2174Met (NM_001008844.3); c.6990C>G, p.Ile2330Met (NM_001319034.2); short protein forms I2330M, I2773M, I2174M.
Identifiers: ClinVar variation 2932838 (VCV002932838.4), dbSNP rs989825163, ClinGen allele CA133977753.

ClinVar aggregate classification (germline): Uncertain significance. Review status: criteria provided, multiple submitters, no conflicts (2 of 4 stars). 2 submissions from 2 submitters: Uncertain significance (2). Last evaluated 2024-06-05.

Conditions:
Arrhythmogenic cardiomyopathy with wooly hair and keratoderma. Also called: PALMOPLANTAR KERATODERMA WITH LEFT VENTRICULAR CARDIOMYOPATHY AND WOOLLY HAIR; Carvajal syndrome; Arrhythmogenic cardiomyopathy with woolly hair and keratoderma; Dilated cardiomyopathy with woolly hair and keratoderma. Identifiers: Orphanet 65282, MedGen C1854063, MONDO:0011581, OMIM 605676.
Arrhythmogenic right ventricular dysplasia 8 (ARVD8). Also called: Arrhythmogenic Right Ventricular Dysplasia/Cardiomyopathy 8; ARRHYTHMOGENIC RIGHT VENTRICULAR DYSPLASIA, FAMILIAL, 8; ARRHYTHMOGENIC RIGHT VENTRICULAR CARDIOMYOPATHY 8. Identifiers: MedGen C1843896, MONDO:0011831, OMIM 607450.
Keratosis palmoplantaris striata 2. Also called: Keratosis palmoplantaris striata II; KERATODERMA, PALMOPLANTAR, STRIATE FORM II; STRIATE PALMOPLANTAR KERATODERMA II. Identifiers: MedGen C1852127, MONDO:0013034, OMIM 612908.
Cardiomyopathy, dilated, with wooly hair, keratoderma, and tooth agenesis. Also called: Erythrokeratodermia-cardiomyopathy syndrome; Cardiomyopathy, dilated, with woolly hair, keratoderma, and tooth agenesis. Identifiers: Orphanet 476096, Orphanet 65282, MedGen C4014393, MONDO:0014355, OMIM 615821.
Lethal acantholytic epidermolysis bullosa (EBLA). Identifiers: Orphanet 158687, MedGen C1864826, MONDO:0012323, OMIM 609638.

Allele frequency attached by ClinVar (database versions not stated): gnomAD exomes below 0.00001; TOPMed 0.00001.
gnomAD v4.1: 3 of 1,614,204 alleles (0.00019%); highest among the groups gnomAD compares: African/African-American, 0.0013%; no homozygotes.

Submissions (2):

Fulgent Genetics
Classification: Uncertain significance for Arrhythmogenic cardiomyopathy with wooly hair and keratoderma; Arrhythmogenic right ventricular dysplasia 8; Lethal acantholytic epidermolysis bullosa; Keratosis palmoplantaris striata 2; Cardiomyopathy, dilated, with wooly hair, keratoderma, and tooth agenesis. Last evaluated: 2024-06-05. Review status: criteria provided, single submitter. Criteria: ACMG Guidelines, 2015. Collection method: clinical testing. Allele origin: germline.

Labcorp Genetics (formerly Invitae), Labcorp
Classification: Uncertain significance for Arrhythmogenic cardiomyopathy with wooly hair and keratoderma; Arrhythmogenic right ventricular dysplasia 8. Last evaluated: 2024-05-21. Review status: criteria provided, single submitter. Criteria: Invitae Variant Classification Sherloc (09022015). Collection method: clinical testing. Allele origin: germline.
Comment: This sequence change replaces isoleucine, which is neutral and non-polar, with methionine, which is neutral and non-polar, at codon 2773 of the DSP protein (p.Ile2773Met). This variant is not present in population databases (gnomAD no frequency). This variant has not been reported in the literature in individuals affected with DSP-related conditions. An algorithm developed to predict the effect of missense changes on protein structure and function (PolyPhen-2) suggests that this variant is likely to be disruptive. In summary, the available evidence is currently insufficient to determine the role of this variant in disease. Therefore, it has been classified as a Variant of Uncertain Significance.